The following is an entry in ClinVar:

NM_001015877.2(PHF6):c.179A>G (p.Glu60Gly)

Gene: PHF6 (PHD finger protein 6; plus strand). Cytogenetic location: Xq26.2.
Variant type: single nucleotide variant.
Coding change: c.179A>G on transcript NM_001015877.2 (MANE Select); coding-DNA position 179, A replaced by G.
Protein change: p.Glu60Gly; replaces glutamic acid 60 with glycine.
Molecular consequence: missense variant.
Genome position (GRCh38, 1-based): chrX:134,378,045, A>G. VCF-style: chrX-134378045-A-G. GRCh37 (hg19) VCF-style: chrX-133512075-A-G.
Other names: c.179A>G, p.Glu60Gly (NM_032335.3, NM_032458.3); short protein forms E60G.
Identifiers: ClinVar variation 3384477 (VCV003384477.2).
Genomic context (GRCh38, chrX:134,378,045, plus strand): 5'-TTTTTAAATGTAATTTATAGCTCTTTTCATCTGCTTTGGTATCATCACACTCTGATAATG[A>G]AAGTCTTGGTGGATTTTCTATTGAAGATGTCCAAAAGGAAATTAAAAGAGGCACGAAGCT-3'
Protein context (NP_001015877.1, residues 50-70): SALVSSHSDN[Glu60Gly]SLGGFSIEDV

ClinVar aggregate classification (germline): Uncertain significance (1 of 4 stars; one submission).

Submission:

GeneDx
Classification: Uncertain significance. Last evaluated: 2026-06-22. Review status: criteria provided, single submitter. Criteria: GeneDx Variant Classification Process June 2021. Collection method: clinical testing. Allele origin: germline.
Comment: Not observed at significant frequency in large population cohorts (gnomAD); In silico analysis supports that this missense variant has a deleterious effect on protein structure/function; Has not been previously published as pathogenic or benign to our knowledge